The following is an entry in ClinVar:

ClinVar aggregate classification (germline): Uncertain significance (1 of 4 stars; one submission).

Submission:

Labcorp Genetics (formerly Invitae), Labcorp
Classification: Uncertain significance. Last evaluated: 2025-07-22. Review status: criteria provided, single submitter. Criteria: Invitae Variant Classification Sherloc (09022015). Collection method: clinical testing. Allele origin: germline.
Comment: This sequence change replaces histidine, which is basic and polar, with asparagine, which is neutral and polar, at codon 513 of the TCF3 protein (p.His513Asn). This variant is present in population databases (rs773976828, gnomAD 0.008%). This variant has not been reported in the literature in individuals affected with TCF3-related conditions. Invitae Evidence Modeling of protein sequence and biophysical properties (such as structural, functional, and spatial information, amino acid conservation, physicochemical variation, residue mobility, and thermodynamic stability) indicates that this missense variant is not expected to disrupt TCF3 protein function with a negative predictive value of 80%. In summary, the available evidence is currently insufficient to determine the role of this variant in disease. Therefore, it has been classified as a Variant of Uncertain Significance.

NM_003200.5(TCF3):c.1537C>A (p.His513Asn)

Gene: TCF3 (transcription factor 3; minus strand). Cytogenetic location: 19p13.3.
Variant type: single nucleotide variant.
Coding change: c.1537C>A on transcript NM_003200.5 (MANE Select); coding-DNA position 1537, C replaced by A.
Protein change: p.His513Asn; replaces histidine 513 with asparagine.
Molecular consequence: missense variant.
Genome position (GRCh38, 1-based): chr19:1,615,735, G>T on the plus strand (C>A on the coding strand, the complement: TCF3 is on the minus strand). VCF-style: chr19-1615735-G-T. GRCh37 (hg19) VCF-style: chr19-1615734-G-T.
Other names: c.1537C>A, p.His513Asn (NM_001136139.4, NM_001351779.2); c.1534C>A, p.His512Asn (NM_001351778.2); short protein forms H513N, H512N.
Identifiers: ClinVar variation 4762940 (VCV004762940.1).